The following is an entry in ClinVar:

ClinVar aggregate classification (germline): Uncertain significance (1 of 4 stars; one submission).

Submission:

GeneDx
Classification: Uncertain significance. Last evaluated: 2020-01-23. Review status: criteria provided, single submitter. Criteria: GeneDx Variant Classification Process June 2021. Collection method: clinical testing. Allele origin: germline. Affected: yes.
Comment: Not observed in large population cohorts (Lek et al., 2016); In silico analysis, which includes protein predictors and evolutionary conservation, supports a deleterious effect; Has not been previously published as pathogenic or benign to our knowledge

NM_004387.4(NKX2-5):c.523C>G (p.Leu175Val)

Gene: NKX2-5 (NK2 homeobox 5; minus strand). Cytogenetic location: 5q35.1.
Variant type: single nucleotide variant.
Coding change: c.523C>G on transcript NM_004387.4 (MANE Select); coding-DNA position 523, C replaced by G.
Protein change: p.Leu175Val; replaces leucine 175 with valine.
Molecular consequence: missense variant. On other transcripts: 3 prime UTR variant (2).
Genome position (GRCh38, 1-based): chr5:173,233,021, G>C on the plus strand (C>G on the coding strand, the complement: NKX2-5 is on the minus strand). VCF-style: chr5-173233021-G-C. GRCh37 (hg19) VCF-style: chr5-172660024-G-C.
Other names: c.*476C>G (NM_001166175.2); c.*322C>G (NM_001166176.2); short protein forms L175V.
Identifiers: ClinVar variation 1303285 (VCV001303285.2), dbSNP rs2113901669, ClinGen allele CA362161690.